The following is an entry in ClinVar:

ClinVar aggregate classification (germline): Uncertain significance (1 of 4 stars; one submission).

Submission:

GeneDx
Classification: Uncertain significance. Last evaluated: 2024-09-17. Review status: criteria provided, single submitter. Criteria: GeneDx Variant Classification Process June 2021. Collection method: clinical testing. Allele origin: germline. Affected: yes.
Comment: Not observed at significant frequency in large population cohorts (gnomAD); In silico analysis supports that this missense variant has a deleterious effect on protein structure/function; Has not been previously published as pathogenic or benign to our knowledge

NM_152296.5(ATP1A3):c.467C>T (p.Pro156Leu)

Gene: ATP1A3 (ATPase Na+/K+ transporting subunit alpha 3; minus strand). Cytogenetic location: 19q13.2.
Variant type: single nucleotide variant.
Coding change: c.467C>T on transcript NM_152296.5 (MANE Select); coding-DNA position 467, C replaced by T.
Protein change: p.Pro156Leu; replaces proline 156 with leucine.
Molecular consequence: missense variant.
Genome position (GRCh38, 1-based): chr19:41,986,120, G>A on the plus strand (C>T on the coding strand, the complement: ATP1A3 is on the minus strand). VCF-style: chr19-41986120-G-A. GRCh37 (hg19) VCF-style: chr19-42490272-G-A.
Other names: c.500C>T, p.Pro167Leu (NM_001256213.2); c.506C>T, p.Pro169Leu (NM_001256214.2); short protein forms P156L, P167L, P169L.
Identifiers: ClinVar variation 3769800 (VCV003769800.1).